The following is an entry in ClinVar:

NM_001126108.2(SLC12A3):c.1096-25_1096-6dup

Gene: SLC12A3 (solute carrier family 12 member 3; plus strand). Cytogenetic location: 16q13.
Variant type: Duplication.
Coding change: c.1096-25_1096-6dup on transcript NM_001126108.2 (MANE Select); 25 bases into the intron before coding-DNA position 1096 through 6 bases into the intron before coding-DNA position 1096, 20 bases duplicated (CTCCCTCTCTCCCTCCCTCC).
Molecular consequence: intron variant.
Genome position (GRCh38, 1-based): chr16:56,878,052-56,878,071, CTCCCTCTCTCCCTCCCTCC duplicated; duplicating any 20 consecutive bases within chr16:56,878,040-56,878,071 gives the same sequence; the c. name uses the placement nearest the transcript's 3' end. VCF-style (leftmost placement, unchanged base first): chr16-56878039-C-CCTCCCTCCCTCCCTCCCTCT. GRCh37 (hg19) VCF-style: chr16-56911951-C-CCTCCCTCCCTCCCTCCCTCT.
Other names: c.1096-25_1096-6dup (NM_000339.3); c.1093-25_1093-6dup (NM_001126107.2, NM_001410896.1).
Identifiers: ClinVar variation 3352616 (VCV003352616.1).

ClinVar aggregate classification (germline): Likely benign (0 of 4 stars; one submission).

Conditions:
SLC12A3-related disorder. Also called: SLC12A3-related condition.

Submission:

PreventionGenetics, part of Exact Sciences
Classification: Likely benign for SLC12A3-related condition. Last evaluated: 2024-04-17. Review status: no assertion criteria provided. Collection method: clinical testing. Allele origin: germline.
Comment: This variant is classified as likely benign based on ACMG/AMP sequence variant interpretation guidelines (Richards et al. 2015 PMID: 25741868, with internal and published modifications).